The following is an entry in ClinVar:

ClinVar aggregate classification (germline): Uncertain significance (1 of 4 stars; one submission).

Submission:

GeneDx
Classification: Uncertain significance. Last evaluated: 2023-11-29. Review status: criteria provided, single submitter. Criteria: GeneDx Variant Classification Process June 2021. Collection method: clinical testing. Allele origin: germline. Affected: yes.
Comment: Not observed at significant frequency in large population cohorts (gnomAD); In silico analysis supports that this missense variant does not alter protein structure/function; Has not been previously published as pathogenic or benign to our knowledge

NM_001348800.3(ZBTB20):c.788G>A (p.Ser263Asn)

Gene: ZBTB20 (zinc finger and BTB domain containing 20; minus strand). Cytogenetic location: 3q13.31.
Variant type: single nucleotide variant.
Coding change: c.788G>A on transcript NM_001348800.3 (MANE Select); coding-DNA position 788, G replaced by A.
Protein change: p.Ser263Asn; replaces serine 263 with asparagine.
Molecular consequence: missense variant.
Genome position (GRCh38, 1-based): chr3:114,351,290, C>T on the plus strand (G>A on the coding strand, the complement: ZBTB20 is on the minus strand). VCF-style: chr3-114351290-C-T. GRCh37 (hg19) VCF-style: chr3-114070137-C-T.
Other names: c.788G>A, p.Ser263Asn (NM_001164342.2, NM_001348803.3, NM_001393393.1 and 1 more transcripts); c.569G>A, p.Ser190Asn (NM_001164343.2, NM_001164344.4, NM_001164345.4 and 9 more transcripts); short protein forms S190N, S263N.
Identifiers: ClinVar variation 3365029 (VCV003365029.1).